The following is an entry in ClinVar:

NM_012144.4(DNAI1):c.139G>A (p.Ala47Thr)

Gene: DNAI1 (dynein axonemal intermediate chain 1; plus strand). Cytogenetic location: 9p13.3.
Variant type: single nucleotide variant.
Coding change: c.139G>A on transcript NM_012144.4 (MANE Select); coding-DNA position 139, G replaced by A.
Protein change: p.Ala47Thr; replaces alanine 47 with threonine.
Molecular consequence: missense variant.
Genome position (GRCh38, 1-based): chr9:34,485,199, G>A. VCF-style: chr9-34485199-G-A. GRCh37 (hg19) VCF-style: chr9-34485197-G-A.
Other names: c.139G>A, p.Ala47Thr (NM_001281428.2); short protein forms A47T.
Identifiers: ClinVar variation 1904636 (VCV001904636.2), dbSNP rs185480184, ClinGen allele CA192626630.
Genomic context (GRCh38, chr9:34,485,199, plus strand): 5'-TAGGATGAAGATTCAGGGACTGAAGTGGGAGAAGGCACAGATGAATGGGCCCAATCCAAA[G>A]CCACAGTTAGACCCCCTGACCAGCTGGAGTTGACCGATGCGGTGAGTGAGTAGCCTCTTG-3'
Protein context (NP_036276.1, residues 37-57): EGTDEWAQSK[Ala47Thr]TVRPPDQLEL

ClinVar aggregate classification (germline): Uncertain significance (1 of 4 stars; one submission).

Conditions:
Primary ciliary dyskinesia. Also called: Ciliary dyskinesia. Identifiers: Orphanet 244, MedGen C0008780, MONDO:0016575, HP:0012265.

Allele frequency attached by ClinVar (database versions not stated): gnomAD exomes below 0.00001.
gnomAD v4.1: 5 of 1,614,162 alleles (0.00031%); highest among the groups gnomAD compares: Non-Finnish European, 0.00025%; no homozygotes.

Submission:

Labcorp Genetics (formerly Invitae), Labcorp
Classification: Uncertain significance for Primary ciliary dyskinesia. Last evaluated: 2022-05-28. Review status: criteria provided, single submitter. Criteria: Invitae Variant Classification Sherloc (09022015). Collection method: clinical testing. Allele origin: germline.
Comment: This sequence change replaces alanine, which is neutral and non-polar, with threonine, which is neutral and polar, at codon 47 of the DNAI1 protein (p.Ala47Thr). This variant is not present in population databases (gnomAD no frequency). This variant has not been reported in the literature in individuals affected with DNAI1-related conditions. Algorithms developed to predict the effect of missense changes on protein structure and function output the following: SIFT: "Tolerated"; PolyPhen-2: "Benign"; Align-GVGD: "Class C0". The threonine amino acid residue is found in multiple mammalian species, which suggests that this missense change does not adversely affect protein function. In summary, the available evidence is currently insufficient to determine the role of this variant in disease. Therefore, it has been classified as a Variant of Uncertain Significance.